The following is an entry in ClinVar:

ClinVar aggregate classification (germline): Likely benign (1 of 4 stars; one submission).

Conditions:
HUWE1-related disorder. Also called: HUWE1-related condition.

gnomAD v4.1: 2 of 1,209,563 alleles (0.00017%); highest among the groups gnomAD compares: Non-Finnish European, 0.00022%; no homozygotes.

Submission:

PreventionGenetics, part of Exact Sciences
Classification: Likely benign for HUWE1-related condition. Last evaluated: 2024-10-17. Review status: criteria provided, single submitter. Criteria: ACMG Guidelines, 2015. Collection method: clinical testing. Allele origin: germline.
Comment: This variant is classified as likely benign based on ACMG/AMP sequence variant interpretation guidelines (Richards et al. 2015 PMID: 25741868, with internal and published modifications).

NM_031407.7(HUWE1):c.5562C>T (p.Thr1854=)

Gene: HUWE1 (HECT, UBA and WWE domain containing E3 ubiquitin protein ligase 1; minus strand). Cytogenetic location: Xp11.22.
Variant type: single nucleotide variant.
Coding change: c.5562C>T on transcript NM_031407.7 (MANE Select); coding-DNA position 5562, C replaced by T.
Protein change: p.Thr1854=; no amino-acid change (threonine 1854 retained).
Molecular consequence: synonymous variant.
Genome position (GRCh38, 1-based): chrX:53,580,985, G>A on the plus strand (C>T on the coding strand, the complement: HUWE1 is on the minus strand). VCF-style: chrX-53580985-G-A. GRCh37 (hg19) VCF-style: chrX-53607945-G-A.
Other names: c.5562C>T, p.Thr1854= (NM_001441048.1, NM_001441049.1, NM_001441051.1 and 6 more transcripts); c.5583C>T, p.Thr1861= (NM_001441050.1, NM_001441055.1).
Identifiers: ClinVar variation 4978739 (VCV004978739.1).